The following is an entry in ClinVar:

NM_004329.3(BMPR1A):c.1206G>A (p.Val402=)

Gene: BMPR1A (bone morphogenetic protein receptor type 1A; plus strand). Cytogenetic location: 10q23.2.
Variant type: single nucleotide variant.
Coding change: c.1206G>A on transcript NM_004329.3 (MANE Select); coding-DNA position 1206, G replaced by A.
Protein change: p.Val402=; no amino-acid change (valine 402 retained).
Molecular consequence: synonymous variant.
Genome position (GRCh38, 1-based): chr10:86,921,559, G>A. VCF-style: chr10-86921559-G-A. GRCh37 (hg19) VCF-style: chr10-88681316-G-A.
Identifiers: ClinVar variation 1331850 (VCV001331850.14), dbSNP rs1843665394, ClinGen allele CA470308285.

ClinVar aggregate classification (germline): Benign/Likely benign. Review status: criteria provided, multiple submitters, no conflicts (2 of 4 stars). 5 submissions from 5 submitters: Benign (1); Likely benign (4). Last evaluated 2024-10-24.

Conditions:
Juvenile polyposis syndrome (JPS). Identifiers: Orphanet 2929, MedGen C0345893, MONDO:0017380, OMIM 174900.
Hereditary cancer-predisposing syndrome. Also called: Hereditary Cancer Syndrome; Hereditary neoplastic syndrome; Neoplastic Syndromes, Hereditary; Tumor predisposition. Identifiers: Orphanet 140162, MedGen C0027672, MeSH D009386, MONDO:0015356.

Allele frequency attached by ClinVar (database versions not stated): gnomAD 0.00001.
gnomAD v4.1: 1 of 1,613,938 alleles (0.000062%); highest among the groups gnomAD compares: African/African-American, 0.0013%; no homozygotes.

Submissions (5):

Labcorp Genetics (formerly Invitae), Labcorp
Classification: Likely benign for Juvenile polyposis syndrome. Last evaluated: 2024-10-24. Review status: criteria provided, single submitter. Criteria: Invitae Variant Classification Sherloc (09022015). Collection method: clinical testing. Allele origin: germline.

Myriad Genetics, Inc.
Classification: Benign for Juvenile polyposis syndrome. Last evaluated: 2024-08-07. Review status: criteria provided, single submitter. Criteria: Myriad Autosomal Dominant, Autosomal Recessive and X-Linked Classification Criteria (2023). Collection method: clinical testing. Allele origin: unknown.
Comment: This variant is considered benign. This variant is a silent/synonymous amino acid change and it is not expected to impact splicing.

Quest Diagnostics Nichols Institute San Juan Capistrano
Classification: Likely benign. Last evaluated: 2022-11-01. Review status: criteria provided, single submitter. Criteria: Quest Diagnostics criteria. Collection method: clinical testing. Allele origin: unknown.

Color Diagnostics, LLC DBA Color Health
Classification: Likely benign for Hereditary cancer-predisposing syndrome. Last evaluated: 2021-04-30. Review status: criteria provided, single submitter. Criteria: ACMG Guidelines, 2015. Collection method: clinical testing. Allele origin: germline.

Ambry Genetics
Classification: Likely benign for Hereditary cancer-predisposing syndrome. Last evaluated: 2019-10-23. Review status: criteria provided, single submitter. Criteria: Ambry Variant Classification Scheme 2023. Collection method: clinical testing. Allele origin: germline.